The following is an entry in ClinVar:

ClinVar aggregate classification (germline): Pathogenic (1 of 4 stars; one submission).

Conditions:
Catecholaminergic polymorphic ventricular tachycardia 1. Also called: VENTRICULAR TACHYCARDIA, STRESS-INDUCED POLYMORPHIC 1; RYR2-Related Catecholaminergic Polymorphic Ventricular Tachycardia; VENTRICULAR TACHYCARDIA, CATECHOLAMINERGIC POLYMORPHIC, 1, WITH OR WITHOUT ATRIAL DYSFUNCTION AND/OR DILATED CARDIOMYOPATHY. Identifiers: Orphanet 3286, MedGen C1631597, MONDO:0011484, OMIM 604772.

Submission:

Labcorp Genetics (formerly Invitae), Labcorp
Classification: Pathogenic for Catecholaminergic polymorphic ventricular tachycardia 1. Last evaluated: 2022-10-04. Review status: criteria provided, single submitter. Criteria: Invitae Variant Classification Sherloc (09022015). Collection method: clinical testing. Allele origin: germline.
Comment: For these reasons, this variant has been classified as Pathogenic. Advanced modeling of protein sequence and biophysical properties (such as structural, functional, and spatial information, amino acid conservation, physicochemical variation, residue mobility, and thermodynamic stability) performed at Invitae indicates that this missense variant is expected to disrupt RYR2 protein function. This missense change has been observed in individual(s) with clinical features of RYR2-related conditions (PMID: 29453246; Invitae). In at least one individual the variant was observed to be de novo. This variant is not present in population databases (gnomAD no frequency). This sequence change replaces cysteine, which is neutral and slightly polar, with tyrosine, which is neutral and polar, at codon 2201 of the RYR2 protein (p.Cys2201Tyr).

Literature cited by the submitters: PubMed 29453246.

NM_001035.3(RYR2):c.6602G>A (p.Cys2201Tyr)

Gene: RYR2 (ryanodine receptor 2; plus strand). Cytogenetic location: 1q43.
Variant type: single nucleotide variant.
Coding change: c.6602G>A on transcript NM_001035.3 (MANE Select); coding-DNA position 6602, G replaced by A.
Protein change: p.Cys2201Tyr; replaces cysteine 2201 with tyrosine.
Molecular consequence: missense variant.
Genome position (GRCh38, 1-based): chr1:237,633,624, G>A. VCF-style: chr1-237633624-G-A. GRCh37 (hg19) VCF-style: chr1-237796924-G-A.
Other names: short protein forms C2201Y.
Identifiers: ClinVar variation 2151921 (VCV002151921.4), dbSNP rs2546926703, ClinGen allele CA345394052.
Genomic context (GRCh38, chr1:237,633,624, plus strand): 5'-TGCTTTATCTGTAGGAAATCACCTTTCCCAAGATGGTGGCCAACTGTTGCCGTTTTCTCT[G>A]TTACTTCTGTCGTATAAGTAGGCAGAATCAAAAAGCTATGTTTGATCATCTCAGTTATTT-3'
Protein context (NP_001026.2, residues 2191-2211): KMVANCCRFL[Cys2201Tyr]YFCRISRQNQ